The following is an entry in ClinVar:

NM_015272.5(RPGRIP1L):c.1257A>T (p.Lys419Asn)

Gene: RPGRIP1L (RPGRIP1 like; minus strand). Cytogenetic location: 16q12.2.
Variant type: single nucleotide variant.
Coding change: c.1257A>T on transcript NM_015272.5 (MANE Select); coding-DNA position 1257, A replaced by T.
Protein change: p.Lys419Asn; replaces lysine 419 with asparagine.
Molecular consequence: missense variant.
Genome position (GRCh38, 1-based): chr16:53,658,865, T>A on the plus strand (A>T on the coding strand, the complement: RPGRIP1L is on the minus strand). VCF-style: chr16-53658865-T-A. GRCh37 (hg19) VCF-style: chr16-53692777-T-A.
Other names: c.1257A>T, p.Lys419Asn (NM_001127897.4, NM_001308334.3, NM_001330538.2); short protein forms K419N.
Identifiers: ClinVar variation 1424640 (VCV001424640.3), dbSNP rs976533506, ClinGen allele CA281347915.
Genomic context (GRCh38, chr16:53,658,865, plus strand): 5'-ATCAAGTTGTTGCTTTTGTTCCAGATACTGTAACTGTAGTTCTCTATTCTCTTGAACGAG[T>A]TTTTCATTTTGATCTTAAAAATAAAGTCCACACAATTGGAAAGGTAAGTAAAAATCAGGT-3'
Protein context (NP_056087.2, residues 409-429): RLKTERDQNE[Lys419Asn]LVQENRELQL

ClinVar aggregate classification (germline): Uncertain significance (1 of 4 stars; one submission).

Conditions:
Joubert syndrome. Also called: CEREBELLOPARENCHYMAL DISORDER IV; JOUBERT-BOLTSHAUSER SYNDROME; Familial aplasia of the vermis. Identifiers: Orphanet 475, MedGen C5979921, MONDO:0018772.
Meckel-Gruber syndrome. Also called: DYSENCEPHALIA SPLANCHNOCYSTICA; GRUBER SYNDROME; Dysencephalia splachnocystica. Identifiers: Orphanet 564, MedGen C0265215, MONDO:0018921.

Allele frequency attached by ClinVar (database versions not stated): gnomAD exomes below 0.00001; TOPMed below 0.00001; gnomAD 0.00001.
gnomAD v4.1: 5 of 1,595,566 alleles (0.00031%); highest among the groups gnomAD compares: Non-Finnish European, 0.00043%; no homozygotes.

Submission:

Labcorp Genetics (formerly Invitae), Labcorp
Classification: Uncertain significance for Joubert syndrome; Meckel-Gruber syndrome. Last evaluated: 2022-08-10. Review status: criteria provided, single submitter. Criteria: Invitae Variant Classification Sherloc (09022015). Collection method: clinical testing. Allele origin: germline.
Comment: This sequence change replaces lysine, which is basic and polar, with asparagine, which is neutral and polar, at codon 419 of the RPGRIP1L protein (p.Lys419Asn). This variant is present in population databases (no rsID available, gnomAD 0.01%). This variant has not been reported in the literature in individuals affected with RPGRIP1L-related conditions. ClinVar contains an entry for this variant (Variation ID: 1424640). Algorithms developed to predict the effect of missense changes on protein structure and function (SIFT, PolyPhen-2, Align-GVGD) all suggest that this variant is likely to be tolerated. In summary, the available evidence is currently insufficient to determine the role of this variant in disease. Therefore, it has been classified as a Variant of Uncertain Significance.